The following is an entry in ClinVar:

ClinVar aggregate classification (germline): Uncertain significance (1 of 4 stars; one submission).

Allele frequency attached by ClinVar (database versions not stated): gnomAD exomes 0.00001.
gnomAD v4.1: 9 of 1,599,868 alleles (0.00056%); highest among the groups gnomAD compares: Non-Finnish European, 0.00077%; no homozygotes.

Submission:

Labcorp Genetics (formerly Invitae), Labcorp
Classification: Uncertain significance. Last evaluated: 2022-08-23. Review status: criteria provided, single submitter. Criteria: Invitae Variant Classification Sherloc (09022015). Collection method: clinical testing. Allele origin: germline.
Comment: This sequence change replaces tyrosine, which is neutral and polar, with histidine, which is basic and polar, at codon 97 of the MYO7A protein (p.Tyr97His). This variant is not present in population databases (gnomAD no frequency). This variant has not been reported in the literature in individuals affected with MYO7A-related conditions. ClinVar contains an entry for this variant (Variation ID: 1043942). Advanced modeling of protein sequence and biophysical properties (such as structural, functional, and spatial information, amino acid conservation, physicochemical variation, residue mobility, and thermodynamic stability) performed at Invitae indicates that this missense variant is expected to disrupt MYO7A protein function. In summary, the available evidence is currently insufficient to determine the role of this variant in disease. Therefore, it has been classified as a Variant of Uncertain Significance.

NM_000260.4(MYO7A):c.289T>C (p.Tyr97His)

Gene: MYO7A (myosin VIIA; plus strand). Cytogenetic location: 11q13.5.
Variant type: single nucleotide variant.
Coding change: c.289T>C on transcript NM_000260.4 (MANE Select); coding-DNA position 289, T replaced by C.
Protein change: p.Tyr97His; replaces tyrosine 97 with histidine.
Molecular consequence: missense variant.
Genome position (GRCh38, 1-based): chr11:77,155,910, T>C. VCF-style: chr11-77155910-T-C. GRCh37 (hg19) VCF-style: chr11-76866956-T-C.
Other names: c.289T>C, p.Tyr97His (NM_001127180.2); c.256T>C, p.Tyr86His (NM_001369365.1); short protein forms Y86H, Y97H.
Identifiers: ClinVar variation 1043942 (VCV001043942.6), dbSNP rs1555061383, ClinGen allele CA381930982.